The following is an entry in ClinVar:

ClinVar aggregate classification (germline): Pathogenic (1 of 4 stars; one submission).

Conditions:
Nemaline myopathy 2 (NEM2). Also called: Nemaline myopathy 2, autosomal recessive. Identifiers: MedGen C1850569, MONDO:0009725, OMIM 256030.

Submission:

Labcorp Genetics (formerly Invitae), Labcorp
Classification: Pathogenic for Nemaline myopathy 2. Last evaluated: 2022-11-14. Review status: criteria provided, single submitter. Criteria: Invitae Variant Classification Sherloc (09022015). Collection method: clinical testing. Allele origin: germline.
Comment: This sequence change creates a premature translational stop signal (p.Tyr3176*) in the NEB gene. It is expected to result in an absent or disrupted protein product. Loss-of-function variants in NEB are known to be pathogenic (PMID: 25205138). This variant is not present in population databases (gnomAD no frequency). This variant has not been reported in the literature in individuals affected with NEB-related conditions. For these reasons, this variant has been classified as Pathogenic.

Literature cited by the submitters: PubMed 25205138.

NM_001164508.2(NEB):c.9528C>A (p.Tyr3176Ter)

Gene: NEB (nebulin; minus strand). Cytogenetic location: 2q23.3.
Variant type: single nucleotide variant.
Coding change: c.9528C>A on transcript NM_001164508.2 (MANE Select); coding-DNA position 9528, C replaced by A.
Protein change: p.Tyr3176Ter; replaces tyrosine 3176 with a stop codon.
Molecular consequence: nonsense. On other transcripts: intron variant (1).
Genome position (GRCh38, 1-based): chr2:151,631,233, G>T on the plus strand (C>A on the coding strand, the complement: NEB is on the minus strand). VCF-style: chr2-151631233-G-T. GRCh37 (hg19) VCF-style: chr2-152487747-G-T.
Other names: c.9528C>A, p.Tyr3176Ter (NM_001164507.2, NM_001271208.2); c.8854-55C>A (NM_004543.5); short protein forms Y3176*.
Identifiers: ClinVar variation 2814069 (VCV002814069.3), dbSNP rs2098660756, ClinGen allele CA348800166.
Genomic context (GRCh38, chr2:151,631,233, plus strand): 5'-CAGCACCTGCTCTAGAGAATCAGTCACACTGGTAAATTTCAGCTTGTCCGGAGGCTGGCG[G>T]TAGATGTTATCACTCAGTATTTCGGTAGCTCTCTTGCACTTGACCACATCCATAGACCCA-3'